The following is an entry in ClinVar:

ClinVar aggregate classification (germline): Likely benign (1 of 4 stars; one submission).

Submission:

GeneDx
Classification: Likely benign. Last evaluated: 2018-03-13. Review status: criteria provided, single submitter. Criteria: GeneDx Variant Classification (06012015). Collection method: clinical testing. Allele origin: germline. Affected: yes.
Comment: This variant is considered likely benign or benign based on one or more of the following criteria: it is a conservative change, it occurs at a poorly conserved position in the protein, it is predicted to be benign by multiple in silico algorithms, and/or has population frequency not consistent with disease.

NM_000421.5(KRT10):c.1458_1460delinsAAGCTC (p.His487delinsSerSer)

Gene: KRT10 (keratin 10; minus strand). Cytogenetic location: 17q21.2.
Variant type: Indel.
Coding change: c.1458_1460delinsAAGCTC on transcript NM_000421.5 (MANE Select); coding-DNA positions 1458 to 1460, CCA replaced by AAGCTC.
Protein change: p.His487delinsSerSer.
Molecular consequence: inframe indel.
Genome position (GRCh38, 1-based): chr17:40,819,075-40,819,077, TGG replaced by GAGCTT on the plus strand (CCA replaced by AAGCTC on the coding strand, the reverse complement: KRT10 is on the minus strand). VCF-style: chr17-40819075-TGG-GAGCTT. GRCh37 (hg19) VCF-style: chr17-38975327-TGG-GAGCTT.
Other names: c.1458_1460delinsAAGCTC, p.His487delinsSerSer (NM_001379366.1).
Identifiers: ClinVar variation 680426 (VCV000680426.1), dbSNP rs1597817732, ClinGen allele CA915950004.